The following is an entry in ClinVar:

ClinVar aggregate classification (germline): Conflicting classifications of pathogenicity. Review status: criteria provided, conflicting classifications (1 of 4 stars). 4 submissions from 4 submitters: Uncertain significance (1); Likely benign (3). Last evaluated 2025-08-04.

Conditions:
Autosomal recessive nonsyndromic hearing loss 3. Also called: NEUROSENSORY NONSYNDROMIC RECESSIVE DEAFNESS 3. Identifiers: Orphanet 90636, MedGen C1838263, MONDO:0010860, OMIM 600316.

Allele frequency attached by ClinVar (database versions not stated): TOPMed 0.00005; gnomAD 0.00011; gnomAD exomes 0.00011 and 0.00014; ExAC 0.00018.

Submissions (4):

Labcorp Genetics (formerly Invitae), Labcorp
Classification: Likely benign. Last evaluated: 2025-08-04. Review status: criteria provided, single submitter. Criteria: Invitae Variant Classification Sherloc (09022015). Collection method: clinical testing. Allele origin: germline.

Blueprint Genetics
Classification: Likely benign. Last evaluated: 2024-11-21. Review status: criteria provided, single submitter. Criteria: ACMG Guidelines, 2015. Collection method: clinical testing. Allele origin: germline.

GeneDx
Classification: Likely benign. Last evaluated: 2019-11-18. Review status: criteria provided, single submitter. Criteria: GeneDx Variant Classification Process June 2021. Collection method: clinical testing. Allele origin: germline. Affected: yes.
Comment: See Variant Classification Assertion Criteria.

Illumina Laboratory Services, Illumina
Classification: Uncertain significance for Autosomal recessive nonsyndromic hearing loss 3. Last evaluated: 2018-01-13. Review status: criteria provided, single submitter. Criteria: ICSL Variant Classification Criteria 13 December 2019. Collection method: clinical testing. Allele origin: germline.

NM_016239.4(MYO15A):c.5965-8C>T

Gene: MYO15A (myosin XVA; plus strand). Cytogenetic location: 17p11.2.
Variant type: single nucleotide variant.
Coding change: c.5965-8C>T on transcript NM_016239.4 (MANE Select); 8 bases into the intron before coding-DNA position 5965, C replaced by T.
Molecular consequence: intron variant.
Genome position (GRCh38, 1-based): chr17:18,143,707, C>T. VCF-style: chr17-18143707-C-T. GRCh37 (hg19) VCF-style: chr17-18047021-C-T.
Identifiers: ClinVar variation 322153 (VCV000322153.14), dbSNP rs766643065, ClinGen allele CA8424462.